The following is an entry in ClinVar:

ClinVar aggregate classification (germline): Pathogenic. Review status: reviewed by expert panel (3 of 4 stars). 14 submissions from 14 submitters: Pathogenic (1). 13 of the submissions do not count toward it. Last evaluated 2016-09-08.

Conditions:
Hereditary cancer-predisposing syndrome. Also called: Tumor predisposition; Neoplastic Syndromes, Hereditary; Hereditary Cancer Syndrome; Hereditary neoplastic syndrome. Identifiers: Orphanet 140162, MedGen C0027672, MeSH D009386, MONDO:0015356.
Hereditary breast ovarian cancer syndrome. Also called: Hereditary breast and ovarian cancer syndrome (HBOC); Hereditary breast and ovarian cancer syndrome; Hereditary breast and ovarian cancer; Hereditary breast and/or ovarian cancer syndrome; Breast and ovarian cancer; BRCA1- and BRCA2-Associated Hereditary Breast and Ovarian Cancer. Identifiers: Orphanet 145, MedGen C0677776, MeSH D061325, MONDO:0003582. Disease mechanism: loss of function.
Breast-ovarian cancer, familial, susceptibility to, 1 (BROVCA1). Also called: OVARIAN CANCER, SUSCEPTIBILITY TO; BRCA1 Hereditary Breast and Ovarian Cancer. Identifiers: Orphanet 145, MedGen C2676676, MONDO:0011450, OMIM 604370. Disease mechanism: loss of function.
Malignant tumor of breast. Also called: Malignant breast neoplasm; Cancer breast. Identifiers: MedGen C0006142, MONDO:0007254. Disease mechanism: loss of function.

Submissions 1 to 12 of 14:

Evidence-based Network for the Interpretation of Germline Mutant Alleles (ENIGMA)
Classification: Pathogenic for Breast-ovarian cancer, familial, susceptibility to, 1. Last evaluated: 2016-09-08. Review status: reviewed by expert panel. Criteria: ENIGMA BRCA1/2 Classification Criteria (2015). Collection method: curation. Allele origin: germline.
Comment: Variant allele predicted to encode a truncated non-functional protein.

Labcorp Genetics (formerly Invitae), Labcorp
Classification: Pathogenic for Hereditary breast ovarian cancer syndrome. Last evaluated: 2025-12-17. Review status: criteria provided, single submitter. Criteria: Invitae Variant Classification Sherloc (09022015). Collection method: clinical testing. Allele origin: germline. Not counted in ClinVar's aggregate classification.
Comment: This sequence change creates a premature translational stop signal (p.Val1120*) in the BRCA1 gene. It is expected to result in an absent or disrupted protein product. Loss-of-function variants in BRCA1 are known to be pathogenic (PMID: 20104584). This variant is not present in population databases (gnomAD no frequency). This premature translational stop signal has been observed in individual(s) with breast cancer and breast and ovarian cancer (PMID: 11802209, 26287763). This variant is also known as 3477delGT. ClinVar contains an entry for this variant (Variation ID: 37526). For these reasons, this variant has been classified as Pathogenic.

GeneDx
Classification: Pathogenic. Last evaluated: 2024-12-02. Review status: criteria provided, single submitter. Criteria: GeneDx Variant Classification Process June 2021. Collection method: clinical testing. Allele origin: germline. Affected: yes. Not counted in ClinVar's aggregate classification.
Comment: Nonsense variant predicted to result in protein truncation or nonsense mediated decay in a gene for which loss of function is a known mechanism of disease; Not observed at significant frequency in large population cohorts (gnomAD); Truncating variants in this gene are considered pathogenic by a well-established clinical consortium and/or database; Observed in individuals with personal and/or family histories of breast and/or ovarian cancer (PMID: 26287763, 11802209, 33758026); Also known as 3477_3478del and 3477delGT; This variant is associated with the following publications: (PMID: 33754277, 11802209, 26287763, 33646313, 32125938, 16644204, 16267036, 12672316, 31209999, 32427313, 26564481, 38538877, 33758026)

Baylor Genetics
Classification: Pathogenic for Breast-ovarian cancer, familial, susceptibility to, 1. Last evaluated: 2024-03-11. Review status: criteria provided, single submitter. Criteria: ACMG Guidelines, 2015. Collection method: clinical testing. Allele origin: unknown. Not counted in ClinVar's aggregate classification.

Ambry Genetics
Classification: Pathogenic for Hereditary cancer-predisposing syndrome. Last evaluated: 2023-09-29. Review status: criteria provided, single submitter. Criteria: Ambry Variant Classification Scheme 2023. Collection method: clinical testing. Allele origin: germline. Not counted in ClinVar's aggregate classification.
Comment: The c.3358_3359delGT pathogenic mutation, located in coding exon 9 of the BRCA1 gene, results from a deletion of two nucleotides at nucleotide positions 3358 to 3359, causing a translational frameshift with a predicted alternate stop codon (p.V1120*). This alteration has been detected in multiple cohorts of individuals diagnosed with breast and/or ovarian cancer (Meindl A et al. Int. J. Cancer 2002 Feb;97:472-80; Lalloo F et al. Eur. J. Cancer 2006 May;42:1143-50; Pal T et al. Cancer 2015 Dec;121:4173-80; Yadav S et al. J. Clin. Oncol., 2020 May;38:1409-1418). Of note, this alteration is also designated as 3477delGT in published literature. In addition to the clinical data presented in the literature, this alteration is expected to result in loss of function by premature protein truncation or nonsense-mediated mRNA decay. As such, this alteration is interpreted as a disease-causing mutation.

Quest Diagnostics Nichols Institute San Juan Capistrano
Classification: Pathogenic. Last evaluated: 2023-05-27. Review status: criteria provided, single submitter. Criteria: Quest Diagnostics criteria. Collection method: clinical testing. Allele origin: unknown. Not counted in ClinVar's aggregate classification.
Comment: The BRCA1 c.3358_3359del (p.Val1120*) variant causes the premature termination of BRCA1 protein synthesis. This variant has been reported in the published literature in individuals with breast and/or ovarian cancer (PMIDs: 32427313 (2020), 26564481 (2015), 26287763 (2015), 12672316 (2003), 11802209 (2002)). This variant has not been reported in large, multi-ethnic general populations (Genome Aggregation Database). Based on the available information, this variant is classified as pathogenic.

Women's Health and Genetics/Laboratory Corporation of America, LabCorp
Classification: Pathogenic for Hereditary breast ovarian cancer syndrome. Last evaluated: 2022-10-10. Review status: criteria provided, single submitter. Criteria: LabCorp Variant Classification Summary - May 2015. Collection method: clinical testing. Allele origin: germline. Not counted in ClinVar's aggregate classification.
Comment: Variant summary: BRCA1 c.3358_3359delGT (p.Val1120X) results in a premature termination codon, predicted to cause a truncation of the encoded protein or absence of the protein due to nonsense mediated decay, which are commonly known mechanisms for disease. Truncations downstream of this position have been classified as pathogenic by our laboratory and associated with Breast and ovarian cancer in HGMD. The variant was absent in 250334 control chromosomes. c.3358_3359delGT has been reported in the literature in multiple clinically diagnosed individuals with Hereditary Breast And Ovarian Cancer Syndrome (example: Palmer_2020, Pal_2015, Judkins_2005 etc.) . These data indicate that the variant is very likely to be associated with disease. To our knowledge, no experimental evidence demonstrating an impact on protein function has been reported. Eight clinical diagnostic laboratories have submitted clinical-significance assessments for this variant to ClinVar after 2014 and classified the variant as pathogenic. Based on the evidence outlined above, the variant was classified as pathogenic.

Color Diagnostics, LLC DBA Color Health
Classification: Pathogenic for Hereditary cancer-predisposing syndrome. Last evaluated: 2020-01-15. Review status: criteria provided, single submitter. Criteria: ACMG Guidelines, 2015. Collection method: clinical testing. Allele origin: germline. Not counted in ClinVar's aggregate classification.
Comment: This variant deletes 2 nucleotides in exon 10 of the BRCA1 gene, creating a frameshift and premature translation stop signal. This variant is expected to result in an absent or non-functional protein product. This variant has not been identified in the general population by the Genome Aggregation Database (gnomAD). Loss of BRCA1 function is a known mechanism of disease. Based on the available evidence, this variant is classified as Pathogenic.

Consortium of Investigators of Modifiers of BRCA1/2 (CIMBA), c/o University of Cambridge
Classification: Pathogenic for Breast-ovarian cancer, familial, susceptibility to, 1. Last evaluated: 2015-10-02. Review status: criteria provided, single submitter. Criteria: CIMBA Mutation Classification guidelines May 2016. Collection method: clinical testing. Allele origin: germline. Not counted in ClinVar's aggregate classification.

Counsyl
Classification: Pathogenic for Breast-ovarian cancer, familial, susceptibility to, 1. Last evaluated: 2017-12-27. Review status: no assertion criteria provided. Collection method: clinical testing. Allele origin: unknown. Not counted in ClinVar's aggregate classification.

Research Molecular Genetics Laboratory, Women's College Hospital, University of Toronto
Classification: Pathogenic for Hereditary breast ovarian cancer syndrome. Last evaluated: 2014-01-31. Review status: no assertion criteria provided. Collection method: research. Allele origin: germline. Affected: yes. Study: The Canadian Open Genetics Repository (COGR). Not counted in ClinVar's aggregate classification.

Sharing Clinical Reports Project (SCRP)
Classification: Pathogenic for Breast-ovarian cancer, familial 1. Last evaluated: 2012-05-01. Review status: no assertion criteria provided. Collection method: clinical testing. Allele origin: germline. Not counted in ClinVar's aggregate classification.

NM_007294.4(BRCA1):c.3358_3359del (p.Thr1119_Val1120insTer)

Genes: BRCA1 (BRCA1 DNA repair associated; minus strand), LOC126862571 (BRD4-independent group 4 enhancer GRCh37_chr17:41243136-41244335; plus strand). Cytogenetic location: 17q21.31.
Variant type: Deletion.
Coding change: c.3358_3359del on transcript NM_007294.4 (MANE Select); coding-DNA positions 3358 to 3359, 2 bases deleted (GT; older notation c.3358_3359delGT).
Protein change: p.Thr1119_Val1120insTer.
Molecular consequence: nonsense. On other transcripts: frameshift variant (1), intron variant (137).
Genome position (GRCh38, 1-based): chr17:43,092,172-43,092,173, AC deleted on the plus strand (GT on the coding strand, the reverse complement: BRCA1 is on the minus strand); deleting any 2 consecutive bases within chr17:43,092,172-43,092,174 gives the same sequence; the c. name uses the placement nearest the transcript's 3' end. VCF-style (leftmost placement, unchanged base first): chr17-43092171-AAC-A. GRCh37 (hg19) VCF-style: chr17-41244188-AAC-A.
Other names: 3477delGT; c.3358_3359delGT (NM_007294.3); c.3145_3146del, p.Thr1048_Val1049insTer (NM_001407571.1, NM_001407853.1, NM_001407894.1 and 9 more transcripts); c.3358_3359del, p.Thr1119_Val1120insTer (NM_001407581.1, NM_001407582.1, NM_001407583.1 and 30 more transcripts); c.3355_3356del, p.Thr1118_Val1119insTer (NM_001407587.1, NM_001407590.1, NM_001407591.1 and 22 more transcripts); c.3349_3350del, p.Thr1116_Val1117insTer (NM_001407646.1, NM_001407647.1); c.3235_3236del, p.Thr1078_Val1079insTer (NM_001407648.1, NM_001407664.1, NM_001407665.1 and 19 more transcripts); c.3232_3233del, p.Thr1077_Val1078insTer (NM_001407649.1, NM_001407670.1, NM_001407671.1 and 11 more transcripts); and 43 more.
Identifiers: ClinVar variation 37526 (VCV000037526.27), dbSNP rs80357945, ClinGen allele CA002178.